The following is an entry in ClinVar:

ClinVar aggregate classification (germline): Benign/Likely benign. Review status: criteria provided, multiple submitters, no conflicts (2 of 4 stars). 8 submissions from 8 submitters: Benign (4); Likely benign (1). 3 of the submissions do not count toward it. Last evaluated 2026-02-02.

Conditions:
Hypertrophic cardiomyopathy 14. Identifiers: MedGen C2750467, MONDO:0013197, OMIM 613251.

Allele frequency attached by ClinVar (database versions not stated): gnomAD exomes 0.00130; 1000 Genomes Project 0.00559.

Submissions (8):

Labcorp Genetics (formerly Invitae), Labcorp
Classification: Benign for Hypertrophic cardiomyopathy 14. Last evaluated: 2026-02-02. Review status: criteria provided, single submitter. Criteria: Invitae Variant Classification Sherloc (09022015). Collection method: clinical testing. Allele origin: germline.

ARUP Laboratories, Molecular Genetics and Genomics, ARUP Laboratories
Classification: Benign. Last evaluated: 2025-06-05. Review status: criteria provided, single submitter. Criteria: ARUP Molecular Germline Variant Investigation Process 2024. Collection method: clinical testing. Allele origin: germline.

Blueprint Genetics
Classification: Likely benign. Last evaluated: 2024-11-27. Review status: criteria provided, single submitter. Criteria: ACMG Guidelines, 2015. Collection method: clinical testing. Allele origin: germline.

Women's Health and Genetics/Laboratory Corporation of America, LabCorp
Classification: Benign. Last evaluated: 2023-06-10. Review status: criteria provided, single submitter. Criteria: LabCorp Variant Classification Summary - May 2015. Collection method: clinical testing. Allele origin: germline.

GeneDx
Classification: Benign. Last evaluated: 2017-02-08. Review status: criteria provided, single submitter. Criteria: GeneDx Variant Classification (06012015). Collection method: clinical testing. Allele origin: germline. Affected: yes.
Comment: This variant is considered likely benign or benign based on one or more of the following criteria: it is a conservative change, it occurs at a poorly conserved position in the protein, it is predicted to be benign by multiple in silico algorithms, and/or has population frequency not consistent with disease.

Clinical Genetics DNA and cytogenetics Diagnostics Lab, Erasmus MC, Erasmus Medical Center
Classification: Benign. Review status: no assertion criteria provided. Collection method: clinical testing. Allele origin: germline. Affected: yes. Study: VKGL Data-share Consensus. Not counted in ClinVar's aggregate classification.

Clinical Genetics, Academic Medical Center
Classification: Benign. Review status: no assertion criteria provided. Collection method: clinical testing. Allele origin: germline. Affected: yes. Study: VKGL Data-share Consensus. Not counted in ClinVar's aggregate classification.

Diagnostic Laboratory, Department of Genetics, University Medical Center Groningen
Classification: Likely benign. Review status: no assertion criteria provided. Collection method: clinical testing. Allele origin: germline. Affected: yes. Study: VKGL Data-share Consensus. Not counted in ClinVar's aggregate classification.

NM_002471.4(MYH6):c.3979-8C>G

Gene: MYH6 (myosin heavy chain 6; minus strand). Cytogenetic location: 14q11.2.
Variant type: single nucleotide variant.
Coding change: c.3979-8C>G on transcript NM_002471.4 (MANE Select); 8 bases into the intron before coding-DNA position 3979, C replaced by G.
Molecular consequence: intron variant.
Genome position (GRCh38, 1-based): chr14:23,389,063, G>C on the plus strand (C>G on the coding strand, the complement: MYH6 is on the minus strand). VCF-style: chr14-23389063-G-C. GRCh37 (hg19) VCF-style: chr14-23858272-G-C.
Identifiers: ClinVar variation 414321 (VCV000414321.20), dbSNP rs555976716, ClinGen allele CA7114969.